The following is an entry in ClinVar:

NM_001958.5(EEF1A2):c.40G>A (p.Gly14Ser)

Gene: EEF1A2 (eukaryotic translation elongation factor 1 alpha 2; minus strand). Cytogenetic location: 20q13.33.
Variant type: single nucleotide variant.
Coding change: c.40G>A on transcript NM_001958.5 (MANE Select); coding-DNA position 40, G replaced by A.
Protein change: p.Gly14Ser; replaces glycine 14 with serine.
Molecular consequence: missense variant.
Genome position (GRCh38, 1-based): chr20:63,497,724, C>T on the plus strand (G>A on the coding strand, the complement: EEF1A2 is on the minus strand). VCF-style: chr20-63497724-C-T. GRCh37 (hg19) VCF-style: chr20-62129077-C-T.
Other names: short protein forms G14S.
Identifiers: ClinVar variation 581903 (VCV000581903.9), dbSNP rs750037735, ClinGen allele CA9959213.

ClinVar aggregate classification (germline): Uncertain significance (1 of 4 stars; one submission).

Conditions:
Developmental and epileptic encephalopathy, 33 (DEE33). Also called: Epileptic encephalopathy, early infantile, 33. Identifiers: Orphanet 442835, MedGen C4225337, MONDO:0014625, OMIM 616409.

Allele frequency attached by ClinVar (database versions not stated): gnomAD exomes below 0.00001; ExAC 0.00001.
gnomAD v4.1: 1 of 1,612,996 alleles (0.000062%); highest among the groups gnomAD compares: Middle Eastern, 0.017%; no homozygotes.

Submission:

Labcorp Genetics (formerly Invitae), Labcorp
Classification: Uncertain significance for Developmental and epileptic encephalopathy, 33. Last evaluated: 2018-03-15. Review status: criteria provided, single submitter. Criteria: Invitae Variant Classification Sherloc (09022015). Collection method: clinical testing. Allele origin: germline.
Comment: This variant has not been reported in the literature in individuals with EEF1A2-related disease. In summary, the available evidence is currently insufficient to determine the role of this variant in disease. Therefore, it has been classified as a Variant of Uncertain Significance. Algorithms developed to predict the effect of sequence changes on RNA splicing suggest that this variant may create or strengthen a splice site, but this prediction has not been confirmed by published transcriptional studies. Algorithms developed to predict the effect of missense changes on protein structure and function do not agree on the potential impact of this missense change (SIFT: "Deleterious"; PolyPhen-2: "Probably Damaging"; Align-GVGD: "Class C0"). This variant is present in population databases (rs750037735, ExAC 0.002%). This sequence change replaces glycine with serine at codon 14 of the EEF1A2 protein (p.Gly14Ser). The glycine residue is highly conserved and there is a small physicochemical difference between glycine and serine.